The following is an entry in ClinVar:

NM_057088.3(KRT3):c.997G>A (p.Asp333Asn)

Gene: KRT3 (keratin 3; minus strand). Cytogenetic location: 12q13.13.
Variant type: single nucleotide variant.
Coding change: c.997G>A on transcript NM_057088.3 (MANE Select); coding-DNA position 997, G replaced by A.
Protein change: p.Asp333Asn; replaces aspartic acid 333 with asparagine.
Molecular consequence: missense variant.
Genome position (GRCh38, 1-based): chr12:52,792,737, C>T on the plus strand (G>A on the coding strand, the complement: KRT3 is on the minus strand). VCF-style: chr12-52792737-C-T. GRCh37 (hg19) VCF-style: chr12-53186521-C-T.
Other names: short protein forms D333N.
Identifiers: ClinVar variation 3712687 (VCV003712687.2).

ClinVar aggregate classification (germline): Uncertain significance (1 of 4 stars; one submission).

Submission:

Labcorp Genetics (formerly Invitae), Labcorp
Classification: Uncertain significance. Last evaluated: 2024-06-25. Review status: criteria provided, single submitter. Criteria: Invitae Variant Classification Sherloc (09022015). Collection method: clinical testing. Allele origin: germline.
Comment: This sequence change replaces aspartic acid, which is acidic and polar, with asparagine, which is neutral and polar, at codon 333 of the KRT3 protein (p.Asp333Asn). This variant is present in population databases (rs754692663, gnomAD 0.007%). This variant has not been reported in the literature in individuals affected with KRT3-related conditions. Advanced modeling of protein sequence and biophysical properties (such as structural, functional, and spatial information, amino acid conservation, physicochemical variation, residue mobility, and thermodynamic stability) performed at Invitae indicates that this missense variant is not expected to disrupt KRT3 protein function with a negative predictive value of 80%. In summary, the available evidence is currently insufficient to determine the role of this variant in disease. Therefore, it has been classified as a Variant of Uncertain Significance.